The following is an entry in ClinVar:

ClinVar aggregate classification (germline): Benign/Likely benign. Review status: criteria provided, multiple submitters, no conflicts (2 of 4 stars). 11 submissions from 11 submitters: Benign (7); Likely benign (4). Last evaluated 2026-04-09.

Conditions:
Osteogenesis imperfecta, perinatal lethal (OI2). Also called: OSTEOGENESIS IMPERFECTA, TYPE II; Osteogenesis imperfecta, dominant perinatal lethal; Osteogenesis imperfecta type 2; OI, TYPE II; OSTEOGENESIS IMPERFECTA CONGENITA; VROLIK TYPE OF OSTEOGENESIS IMPERFECTA. Identifiers: Orphanet 216804, MedGen C0268358, MONDO:0008147, OMIM 166210.
Infantile cortical hyperostosis. Also called: Caffey Disease; P1PK BLOOD GROUP SYSTEM, P(2) PHENOTYPE; Hyperostosis, Cortical, Congenital. Identifiers: Orphanet 1310, MedGen C0020497, MONDO:0007244, OMIM 114000.
Osteogenesis imperfecta with normal sclerae, dominant form (OI4). Also called: Common Variable Osteogenesis Imperfecta with Normal Sclerae; OSTEOGENESIS IMPERFECTA WITH NORMAL SCLERAE; Osteogenesis imperfecta type 4; OSTEOGENESIS IMPERFECTA, TYPE IV, WITH DENTINOGENESIS IMPERFECTA; Osteogenesis Imperfecta Type IV. Identifiers: Orphanet 216820, Orphanet 666, MedGen C0268363, MONDO:0008148, OMIM 166220.
Osteogenesis imperfecta type III (OI3). Also called: Progressively Deforming Osteogenesis Imperfecta; Osteogenesis imperfecta type 3; OI type 3; Osteogenesis imperfecta, progressively deforming with normal sclerae; OI type III. Identifiers: Orphanet 216812, Orphanet 666, MedGen C0268362, MONDO:0009804, OMIM 259420.
Ehlers-Danlos syndrome, arthrochalasia type. Also called: Ehlers-Danlos syndrome, arthrochalasis type; Ehlers-Danlos syndrome, arthrochalasia type, 1; ARTHROCHALASIS MULTIPLEX CONGENITA; EDS VII, MUTANT PROCOLLAGEN TYPE; EDS VIIA. Identifiers: Orphanet 1899, Orphanet 99875, Orphanet 99876, MedGen C4551623, MONDO:0007525, OMIM 130060.
Osteogenesis imperfecta type I (OI1). Also called: Osteogenesis imperfecta type 1; Classic Non-deforming Osteogenesis Imperfecta with Blue Sclerae; OI, TYPE I; OSTEOGENESIS IMPERFECTA TARDA; OSTEOGENESIS IMPERFECTA WITH BLUE SCLERAE; Lobstein's Disease. Identifiers: Orphanet 216796, Orphanet 666, MedGen C0023931, MONDO:0008146, OMIM 166200. Disease mechanism: loss of function.
Osteoporosis. Identifiers: MedGen C0029456, MONDO:0005298, OMIM 166710, HP:0000939.
Combined osteogenesis imperfecta and Ehlers-Danlos syndrome 1. Also called: OIEDS SYNDROME 1. Identifiers: MedGen C5436842, MONDO:0030854, OMIM 619115.
Cardiovascular phenotype. Identifiers: MedGen CN230736.
Osteogenesis imperfecta (OI). Identifiers: Orphanet 666, MedGen C0029434, MeSH D010013, MONDO:0019019.

Allele frequency attached by ClinVar (database versions not stated): gnomAD exomes 0.00100 and 0.00040; ExAC 0.00129; 1000 Genomes Project 30x 0.00234; 1000 Genomes Project 0.00240; ESP Exome Variant Server 0.00392; gnomAD 0.00399 and 0.00432; TOPMed 0.00485.
gnomAD v4.1: 1,223 of 1,614,120 alleles (0.076%); highest among the groups gnomAD compares: African/African-American, 1.3%; 7 homozygotes.

Submissions (11):

Women's Health and Genetics/Laboratory Corporation of America, LabCorp
Classification: Likely benign. Last evaluated: 2026-04-09. Review status: criteria provided, single submitter. Criteria: LabCorp Variant Classification Summary - May 2015. Collection method: clinical testing. Allele origin: germline.
Comment: Variant summary: COL1A1 c.1168G>A (p.Ala390Thr) results in a non-conservative amino acid change in the encoded protein sequence. Algorithms developed to predict the effect of missense changes on protein structure and function are either unavailable or do not agree on the potential impact of this missense change. The variant allele was found at a frequency of 0.001 in 251476 control chromosomes, predominantly at a frequency of 0.013 within the African or African-American subpopulation in the gnomAD database, including 2 homozygotes. The observed variant frequency within African or African-American control individuals in the gnomAD database exceeds the estimated maximal expected allele frequency for disease-causing variants in COL1A1. To our knowledge, no occurrence of c.1168G>A in individuals affected with COL1A1-related conditions and no experimental evidence demonstrating its impact on protein function have been reported. ClinVar contains an entry for this variant (Variation ID: 456729). Based on the evidence outlined above, the variant was classified as likely benign.

Labcorp Genetics (formerly Invitae), Labcorp
Classification: Benign for Osteogenesis imperfecta type I. Last evaluated: 2026-01-27. Review status: criteria provided, single submitter. Criteria: Invitae Variant Classification Sherloc (09022015). Collection method: clinical testing. Allele origin: germline.

ARUP Laboratories, Molecular Genetics and Genomics, ARUP Laboratories
Classification: Benign. Last evaluated: 2024-12-27. Review status: criteria provided, single submitter. Criteria: ARUP Molecular Germline Variant Investigation Process 2024. Collection method: clinical testing. Allele origin: germline.

Blueprint Genetics
Classification: Likely benign. Last evaluated: 2024-10-17. Review status: criteria provided, single submitter. Criteria: ACMG Guidelines, 2015. Collection method: clinical testing. Allele origin: germline.

Mayo Clinic Laboratories, Mayo Clinic
Classification: Benign. Last evaluated: 2024-07-26. Review status: criteria provided, single submitter. Criteria: ACMG Guidelines, 2015. Collection method: clinical testing. Allele origin: germline. Observed: 7 variant alleles.
Comment: BS1, BS2, BP4

Fulgent Genetics
Classification: Likely benign for Infantile cortical hyperostosis; Ehlers-Danlos syndrome, arthrochalasia type; Osteogenesis imperfecta type I; Osteogenesis imperfecta, perinatal lethal; Osteogenesis imperfecta with normal sclerae, dominant form; Osteoporosis; Osteogenesis imperfecta type III; Combined osteogenesis imperfecta and Ehlers-Danlos syndrome 1. Last evaluated: 2022-04-05. Review status: criteria provided, single submitter. Criteria: ACMG Guidelines, 2015. Collection method: clinical testing. Allele origin: unknown.

Genome Diagnostics Laboratory, The Hospital for Sick Children
Classification: Likely benign for Osteogenesis imperfecta. Last evaluated: 2021-01-08. Review status: criteria provided, single submitter. Criteria: ACMG Guidelines, 2015. Collection method: clinical testing. Allele origin: germline.

Ambry Genetics
Classification: Benign for Cardiovascular phenotype. Last evaluated: 2019-06-12. Review status: criteria provided, single submitter. Criteria: Ambry Variant Classification Scheme 2023. Collection method: clinical testing. Allele origin: germline.

Athena Diagnostics
Classification: Benign. Last evaluated: 2017-09-26. Review status: criteria provided, single submitter. Criteria: Athena Diagnostics Criteria. Collection method: clinical testing. Allele origin: germline.

GeneDx
Classification: Benign. Last evaluated: 2017-08-28. Review status: criteria provided, single submitter. Criteria: GeneDx Variant Classification (06012015). Collection method: clinical testing. Allele origin: germline. Affected: yes.
Comment: This variant is considered likely benign or benign based on one or more of the following criteria: it is a conservative change, it occurs at a poorly conserved position in the protein, it is predicted to be benign by multiple in silico algorithms, and/or has population frequency not consistent with disease.

Eurofins Ntd Llc (ga)
Classification: Benign. Last evaluated: 2016-12-20. Review status: criteria provided, single submitter. Criteria: EGL Classification Definitions 2015. Collection method: clinical testing. Allele origin: germline. Observed: 1 variant allele, 1 heterozygote.

Literature cited by the submitters: PubMed 18996919 (cited by Ambry Genetics and Athena Diagnostics); PubMed 20981092 (cited by Ambry Genetics); PubMed 29595812 (cited by Ambry Genetics).

NM_000088.4(COL1A1):c.1168G>A (p.Ala390Thr)

Gene: COL1A1 (collagen type I alpha 1 chain; minus strand). Cytogenetic location: 17q21.33.
Variant type: single nucleotide variant.
Coding change: c.1168G>A on transcript NM_000088.4 (MANE Select); coding-DNA position 1168, G replaced by A.
Protein change: p.Ala390Thr; replaces alanine 390 with threonine.
Molecular consequence: missense variant.
Genome position (GRCh38, 1-based): chr17:50,195,466, C>T on the plus strand (G>A on the coding strand, the complement: COL1A1 is on the minus strand). VCF-style: chr17-50195466-C-T. GRCh37 (hg19) VCF-style: chr17-48272827-C-T.
Other names: short protein forms A390T.
Identifiers: ClinVar variation 456729 (VCV000456729.32), dbSNP rs116794104, ClinGen allele CA8645374.